The following is an entry in ClinVar:

NM_032830.3(UTP4):c.651G>A (p.Lys217=)

Gene: UTP4 (UTP4 small subunit processome component). Cytogenetic location: 16q22.1.
Variant type: single nucleotide variant.
Coding change: c.651G>A on transcript NM_032830.3 (MANE Select); coding-DNA position 651, G replaced by A.
Protein change: p.Lys217=; no amino-acid change (lysine 217 retained).
Molecular consequence: synonymous variant.
Genome position (GRCh38, 1-based): chr16:69,143,302, G>A. VCF-style: chr16-69143302-G-A. GRCh37 (hg19) VCF-style: chr16-69177205-G-A.
Other names: c.402G>A, p.Lys134= (NM_001318391.2).
Identifiers: ClinVar variation 3047852 (VCV003047852.4), dbSNP rs147375559, ClinGen allele CA8132127.

ClinVar aggregate classification (germline): Likely benign. Review status: criteria provided, single submitter (1 of 4 stars). 2 submissions from 2 submitters: Likely benign (1). 1 of the submissions does not count toward it. Last evaluated 2025-01-24.

Conditions:
UTP4-related disorder. Also called: UTP4-related condition.

Allele frequency attached by ClinVar (database versions not stated): ExAC 0.00016; gnomAD exomes 0.00022; TOPMed 0.00042; gnomAD 0.00043; 1000 Genomes Project 0.00120; 1000 Genomes Project 30x 0.00125.
gnomAD v4.1: 381 of 1,614,206 alleles (0.024%); highest among the groups gnomAD compares: Admixed American, 0.1%; no homozygotes.

Submissions (2):

Labcorp Genetics (formerly Invitae), Labcorp
Classification: Likely benign. Last evaluated: 2025-01-24. Review status: criteria provided, single submitter. Criteria: Invitae Variant Classification Sherloc (09022015). Collection method: clinical testing. Allele origin: germline.

PreventionGenetics, part of Exact Sciences
Classification: Likely benign for UTP4-related condition. Last evaluated: 2022-12-09. Review status: no assertion criteria provided. Collection method: clinical testing. Allele origin: germline. Not counted in ClinVar's aggregate classification.
Comment: This variant is classified as likely benign based on ACMG/AMP sequence variant interpretation guidelines (Richards et al. 2015 PMID: 25741868, with internal and published modifications).